The following is an entry in ClinVar:

ClinVar aggregate classification (germline): Uncertain significance (1 of 4 stars; one submission).

Submission:

GeneDx
Classification: Uncertain significance. Last evaluated: 2026-09-03. Review status: criteria provided, single submitter. Criteria: GeneDx Variant Classification Process June 2021. Collection method: clinical testing. Allele origin: germline.
Comment: Not observed at significant frequency in large population cohorts (gnomAD); In silico analysis suggests that this missense variant does not alter protein structure/function; Has not been previously published as pathogenic or benign to our knowledge

NM_078629.4(MSL3):c.1139G>C (p.Ser380Thr)

Gene: MSL3 (MSL complex subunit 3; plus strand). Cytogenetic location: Xp22.2.
Variant type: single nucleotide variant.
Coding change: c.1139G>C on transcript NM_078629.4 (MANE Select); coding-DNA position 1139, G replaced by C.
Protein change: p.Ser380Thr; replaces serine 380 with threonine.
Molecular consequence: missense variant.
Genome position (GRCh38, 1-based): chrX:11,765,697, G>C. VCF-style: chrX-11765697-G-C. GRCh37 (hg19) VCF-style: chrX-11783816-G-C.
Other names: c.1103G>C, p.Ser368Thr (NM_001193270.2); c.692G>C, p.Ser231Thr (NM_001282174.1); c.641G>C, p.Ser214Thr (NM_006800.4); c.1139G>C, p.Ser380Thr (NM_078628.2); short protein forms S214T, S231T, S368T, S380T.
Identifiers: ClinVar variation 3369532 (VCV003369532.2).